The following is an entry in ClinVar:

NM_012213.3(MLYCD):c.887A>C (p.Gln296Pro)

Genes: MLYCD (malonyl-CoA decarboxylase; plus strand), LOC126862422 (CDK7 strongly-dependent group 2 enhancer GRCh37_chr16:83945234-83946433; plus strand). Cytogenetic location: 16q23.3.
Variant type: single nucleotide variant.
Coding change: c.887A>C on transcript NM_012213.3 (MANE Select); coding-DNA position 887, A replaced by C.
Protein change: p.Gln296Pro; replaces glutamine 296 with proline.
Molecular consequence: missense variant.
Genome position (GRCh38, 1-based): chr16:83,912,306, A>C. VCF-style: chr16-83912306-A-C. GRCh37 (hg19) VCF-style: chr16-83945911-A-C.
Other names: short protein forms Q296P.
Identifiers: ClinVar variation 1434021 (VCV001434021.4), dbSNP rs199761233, ClinGen allele CA8197418.

ClinVar aggregate classification (germline): Uncertain significance. Review status: criteria provided, multiple submitters, no conflicts (2 of 4 stars). 2 submissions from 2 submitters: Uncertain significance (2). Last evaluated 2024-10-10.

Conditions:
Deficiency of malonyl-CoA decarboxylase. Also called: Malonic aciduria; MCD deficiency. Identifiers: Orphanet 943, MedGen C0342793, MONDO:0009556, OMIM 248360.

Allele frequency attached by ClinVar (database versions not stated): gnomAD exomes 0.00001; ExAC 0.00002; gnomAD 0.00003 and 0.00004; TOPMed 0.00003.
gnomAD v4.1: 74 of 1,614,112 alleles (0.0046%); highest among the groups gnomAD compares: Non-Finnish European, 0.0061%; no homozygotes.

Submissions (2):

Women's Health and Genetics/Laboratory Corporation of America, LabCorp
Classification: Uncertain significance. Last evaluated: 2024-10-10. Review status: criteria provided, single submitter. Criteria: LabCorp Variant Classification Summary - May 2015. Collection method: clinical testing. Allele origin: germline.
Comment: Variant summary: MLYCD c.887A>C (p.Gln296Pro) results in a non-conservative amino acid change located in the Malonyl-CoA decarboxylase, C-terminal domain (IPR007956) of the encoded protein sequence. Three of five in-silico tools predict a benign effect of the variant on protein function. The variant allele was found at a frequency of 1.2e-05 in 249548 control chromosomes (gnomAD). The available data on variant occurrences in the general population are insufficient to allow any conclusion about variant significance. To our knowledge, no occurrence of c.887A>C in individuals affected with Deficiency Of Malonyl-CoA Decarboxylase and no experimental evidence demonstrating its impact on protein function have been reported. ClinVar contains an entry for this variant (Variation ID: 1434021). Based on the evidence outlined above, the variant was classified as uncertain significance.

Labcorp Genetics (formerly Invitae), Labcorp
Classification: Uncertain significance for Deficiency of malonyl-CoA decarboxylase. Last evaluated: 2021-11-12. Review status: criteria provided, single submitter. Criteria: Invitae Variant Classification Sherloc (09022015). Collection method: clinical testing. Allele origin: germline.
Comment: This sequence change replaces glutamine, which is neutral and polar, with proline, which is neutral and non-polar, at codon 296 of the MLYCD protein (p.Gln296Pro). This variant is present in population databases (rs199761233, gnomAD 0.003%). This variant has not been reported in the literature in individuals affected with MLYCD-related conditions. Algorithms developed to predict the effect of missense changes on protein structure and function output the following: SIFT: "Tolerated"; PolyPhen-2: "Benign"; Align-GVGD: "Class C0". The proline amino acid residue is found in multiple mammalian species, which suggests that this missense change does not adversely affect protein function. In summary, the available evidence is currently insufficient to determine the role of this variant in disease. Therefore, it has been classified as a Variant of Uncertain Significance.